The following is an entry in ClinVar:

NM_001365088.1(SLC12A6):c.2964C>A (p.Tyr988Ter)

Gene: SLC12A6 (solute carrier family 12 member 6; minus strand). Cytogenetic location: 15q14.
Variant type: single nucleotide variant.
Coding change: c.2964C>A on transcript NM_001365088.1 (MANE Select); coding-DNA position 2964, C replaced by A.
Protein change: p.Tyr988Ter; replaces tyrosine 988 with a stop codon.
Molecular consequence: nonsense.
Genome position (GRCh38, 1-based): chr15:34,236,786, G>T on the plus strand (C>A on the coding strand, the complement: SLC12A6 is on the minus strand). VCF-style: chr15-34236786-G-T. GRCh37 (hg19) VCF-style: chr15-34528987-G-T.
Other names: c.2787C>A, p.Tyr929Ter (NM_001042494.2, NM_001042495.2); c.2937C>A, p.Tyr979Ter (NM_001042496.2); c.2919C>A, p.Tyr973Ter (NM_001042497.2); c.2811C>A, p.Tyr937Ter (NM_005135.2); c.2964C>A, p.Tyr988Ter (NM_133647.2); short protein forms Y929*, Y937*, Y973*, Y979*, Y988*.
Identifiers: ClinVar variation 5013692 (VCV005013692.1).

ClinVar aggregate classification (germline): Pathogenic (1 of 4 stars; one submission).

Conditions:
Agenesis of the corpus callosum with peripheral neuropathy (ACCPN). Also called: CHARLEVOIX DISEASE; POLYNEUROPATHY, SENSORIMOTOR, WITH OR WITHOUT AGENESIS OF THE CORPUS CALLOSUM; HMSN/ACC; Hereditary Motor and Sensory Neuropathy with Agenesis of the Corpus Callosum. Identifiers: Orphanet 1496, MedGen C0795950, MONDO:0000902, OMIM 218000. Disease mechanism: loss of function.

Submission:

Myriad Genetics, Inc.
Classification: Pathogenic for Agenesis of the corpus callosum with peripheral neuropathy. Last evaluated: 2024-10-31. Review status: criteria provided, single submitter. Criteria: Myriad Autosomal Dominant, Autosomal Recessive and X-Linked Classification Criteria (2023). Collection method: clinical testing. Allele origin: unknown.
Comment: NM_133647.1(SLC12A6):c.2964C>A(Y988*) is expected to be pathogenic in the context of Andermann syndrome. This variant is predicted to lead to an abnormal or absent protein product due to the creation of a premature termination codon in SLC12A6, a gene where loss-of-function variants are known to be pathogenic. Please note: this variant was assessed in the context of healthy population screening.